The following is an entry in ClinVar:

ClinVar aggregate classification (germline): Uncertain significance (1 of 4 stars; one submission).

Conditions:
Hereditary cancer-predisposing syndrome. Also called: Hereditary neoplastic syndrome; Neoplastic Syndromes, Hereditary; Tumor predisposition; Hereditary Cancer Syndrome. Identifiers: Orphanet 140162, MedGen C0027672, MeSH D009386, MONDO:0015356.

Submission:

Ambry Genetics
Classification: Uncertain significance for Hereditary cancer-predisposing syndrome. Last evaluated: 2025-03-08. Review status: criteria provided, single submitter. Criteria: Ambry Variant Classification Scheme 2023. Collection method: clinical testing. Allele origin: germline.
Comment: The p.T1179P variant (also known as c.3535A>C), located in coding exon 17 of the BLM gene, results from an A to C substitution at nucleotide position 3535. The threonine at codon 1179 is replaced by proline, an amino acid with highly similar properties. This amino acid position is conserved. In addition, this alteration is predicted to be tolerated by in silico analysis. Based on the available evidence, the clinical significance of this variant remains unclear.

NM_000057.4(BLM):c.3535A>C (p.Thr1179Pro)

Gene: BLM (BLM RecQ like helicase; plus strand). Cytogenetic location: 15q26.1.
Variant type: single nucleotide variant.
Coding change: c.3535A>C on transcript NM_000057.4 (MANE Select); coding-DNA position 3535, A replaced by C.
Protein change: p.Thr1179Pro; replaces threonine 1179 with proline.
Molecular consequence: missense variant. On other transcripts: intron variant (1).
Genome position (GRCh38, 1-based): chr15:90,803,697, A>C. VCF-style: chr15-90803697-A-C. GRCh37 (hg19) VCF-style: chr15-91346927-A-C.
Other names: c.3535A>C, p.Thr1179Pro (NM_001287246.2); c.2410A>C, p.Thr804Pro (NM_001287248.2); c.3358+5360A>C (NM_001287247.2); short protein forms T1179P, T804P.
Identifiers: ClinVar variation 3824487 (VCV003824487.1).